The following is an entry in ClinVar:

ClinVar aggregate classification (germline): Conflicting classifications of pathogenicity. Review status: criteria provided, conflicting classifications (1 of 4 stars). 3 submissions from 3 submitters: Uncertain significance (1); Likely benign (2). Last evaluated 2025-12-13.

Conditions:
Neurofibromatosis, type 2 (SWNV). Also called: SCHWANNOMATOSIS, VESTIBULAR; NF2-Related Schwannomatosis; BILATERAL ACOUSTIC NEUROFIBROMATOSIS. Identifiers: Orphanet 637, MedGen C0027832, MONDO:0007039, OMIM 101000. Disease mechanism: loss of function.

Submissions (3):

Labcorp Genetics (formerly Invitae), Labcorp
Classification: Likely benign for Neurofibromatosis, type 2. Last evaluated: 2025-12-13. Review status: criteria provided, single submitter. Criteria: Invitae Variant Classification Sherloc (09022015). Collection method: clinical testing. Allele origin: germline.

GeneDx
Classification: Uncertain significance. Last evaluated: 2024-04-22. Review status: criteria provided, single submitter. Criteria: GeneDx Variant Classification Process June 2021. Collection method: clinical testing. Allele origin: germline. Affected: yes.
Comment: Not observed at significant frequency in large population cohorts (gnomAD); In silico analysis supports a deleterious effect on splicing; Has not been previously published as pathogenic or benign to our knowledge

All of Us Research Program, National Institutes of Health
Classification: Likely benign for Neurofibromatosis, type 2. Last evaluated: 2024-01-03. Review status: criteria provided, single submitter. Criteria: ACMG Guidelines, 2015. Collection method: clinical testing. Allele origin: germline. Inheritance: Autosomal dominant inheritance. Observed: 1 variant allele, 1 heterozygote.
Comment: This study involves interpretation of variants in research participants for the purpose of population health screening. Participant phenotype was not available at the time of variant classification. Additional details can be found in publication PMID: 35346344, PMCID: PMC8962531

NM_000268.4(NF2):c.676-11del

Gene: NF2 (NF2, moesin-ezrin-radixin like (MERLIN) tumor suppressor; plus strand). Cytogenetic location: 22q12.2.
Variant type: Deletion.
Coding change: c.676-11del on transcript NM_000268.4 (MANE Select); 11 bases into the intron before coding-DNA position 676, one base deleted (T; older notation c.676-11delT).
Molecular consequence: intron variant.
Genome position (GRCh38, 1-based): chr22:29,661,194, T deleted; the last of 2 consecutive T bases (chr22:29,661,193-29,661,194); deleting either gives the same sequence. VCF-style (leftmost placement, unchanged base first): chr22-29661192-AT-A. GRCh37 (hg19) VCF-style: chr22-30057181-AT-A.
Other names: c.676-11del (NM_016418.5, NM_181832.3, NM_181825.3); c.447+18909del (NM_181833.3); c.553-11del (NM_181829.3); c.550-11del (NM_181828.3); c.427-11del (NM_181830.3, NM_181831.3).
Identifiers: ClinVar variation 1954949 (VCV001954949.7), dbSNP rs2518595115, ClinGen allele CA2524895281.
Genomic context (GRCh38, chr22:29,661,192, plus strand): 5'-ATTCTTTGGAAGGTTGAATAAAATTTTGAGCCTCAGCTGGCGCTTACAGTAGCTGTTCTT[AT>A]TGGATCCACAGAATAAAAAGGGCACAGAGCTGCTGCTTGGAGTGGATGCCCTGGGGCTTC-3'